The following is an entry in ClinVar:

NM_000038.6(APC):c.5711A>G (p.Gln1904Arg)

Gene: APC (APC regulator of Wnt signaling pathway; plus strand). Cytogenetic location: 5q22.2.
Variant type: single nucleotide variant.
Coding change: c.5711A>G on transcript NM_000038.6 (MANE Select); coding-DNA position 5711, A replaced by G.
Protein change: p.Gln1904Arg; replaces glutamine 1904 with arginine.
Molecular consequence: missense variant.
Genome position (GRCh38, 1-based): chr5:112,841,305, A>G. VCF-style: chr5-112841305-A-G. GRCh37 (hg19) VCF-style: chr5-112177002-A-G.
Other names: c.5711A>G, p.Gln1904Arg (NM_001127510.3, NM_001354895.2); c.5657A>G, p.Gln1886Arg (NM_001127511.3); c.5765A>G, p.Gln1922Arg (NM_001354896.2); c.5741A>G, p.Gln1914Arg (NM_001354897.2); c.5636A>G, p.Gln1879Arg (NM_001354898.2); c.5627A>G, p.Gln1876Arg (NM_001354899.2); c.5588A>G, p.Gln1863Arg (NM_001354900.2); c.5534A>G, p.Gln1845Arg (NM_001354901.2); and 5 more; short protein forms Q1886R, Q1904R, Q1778R, Q1876R, Q1879R, Q1621R, Q1744R, Q1914R.
Identifiers: ClinVar variation 490317 (VCV000490317.21), dbSNP rs1554086918, ClinGen allele CA16033833.

ClinVar aggregate classification (germline): Uncertain significance. Review status: criteria provided, multiple submitters, no conflicts (2 of 4 stars). 3 submissions from 3 submitters: Uncertain significance (3). Last evaluated 2023-12-04.

Conditions:
Familial adenomatous polyposis 1 (FAP1). Also called: POLYPOSIS, ADENOMATOUS INTESTINAL; FAMILIAL ADENOMATOUS POLYPOSIS 1, ATTENUATED. Identifiers: MedGen C2713442, MONDO:0021056, OMIM 175100. Disease mechanism: loss of function.
Hereditary cancer-predisposing syndrome. Also called: Hereditary Cancer Syndrome; Neoplastic Syndromes, Hereditary; Tumor predisposition; Hereditary neoplastic syndrome. Identifiers: Orphanet 140162, MedGen C0027672, MeSH D009386, MONDO:0015356.

Submissions (3):

Color Diagnostics, LLC DBA Color Health
Classification: Uncertain significance for Hereditary cancer-predisposing syndrome. Last evaluated: 2023-12-04. Review status: criteria provided, single submitter. Criteria: ACMG Guidelines, 2015. Collection method: clinical testing. Allele origin: germline.
Comment: This missense variant replaces glutamine with arginine at codon 1904 of the APC protein. Computational prediction suggests that this variant may not impact protein structure and function (internally defined REVEL score threshold <= 0.5, PMID: 27666373). To our knowledge, functional studies have not been reported for this variant. This variant has not been reported in individuals affected with APC-related disorders in the literature. This variant has not been identified in the general population by the Genome Aggregation Database (gnomAD). The available evidence is insufficient to determine the role of this variant in disease conclusively. Therefore, this variant is classified as a Variant of Uncertain Significance.

Ambry Genetics
Classification: Uncertain significance for Hereditary cancer-predisposing syndrome. Last evaluated: 2023-10-19. Review status: criteria provided, single submitter. Criteria: Ambry Variant Classification Scheme 2023. Collection method: clinical testing. Allele origin: germline.
Comment: The p.Q1904R variant (also known as c.5711A>G), located in coding exon 15 of the APC gene, results from an A to G substitution at nucleotide position 5711. The glutamine at codon 1904 is replaced by arginine, an amino acid with highly similar properties. This amino acid position is highly conserved in available vertebrate species. In addition, in silico predictors for this gene do not accurately predict pathogenicity. Since supporting evidence is limited at this time, the clinical significance of this alteration remains unclear.

Labcorp Genetics (formerly Invitae), Labcorp
Classification: Uncertain significance for Familial adenomatous polyposis 1. Last evaluated: 2020-03-28. Review status: criteria provided, single submitter. Criteria: Invitae Variant Classification Sherloc (09022015). Collection method: clinical testing. Allele origin: germline.
Comment: This sequence change replaces glutamine with arginine at codon 1904 of the APC protein (p.Gln1904Arg). The glutamine residue is highly conserved and there is a small physicochemical difference between glutamine and arginine. This variant is not present in population databases (ExAC no frequency). This variant has not been reported in the literature in individuals with APC-related conditions. ClinVar contains an entry for this variant (Variation ID: 490317). Algorithms developed to predict the effect of missense changes on protein structure and function are either unavailable or do not agree on the potential impact of this missense change (SIFT: "Deleterious"; PolyPhen-2: "Benign"; Align-GVGD: "Class C0"). In summary, the available evidence is currently insufficient to determine the role of this variant in disease. Therefore, it has been classified as a Variant of Uncertain Significance.